The following is an entry in ClinVar:

NM_003283.6(TNNT1):c.33-1G>A

Gene: TNNT1 (troponin T1, slow skeletal type; minus strand). Cytogenetic location: 19q13.42.
Variant type: single nucleotide variant.
Coding change: c.33-1G>A on transcript NM_003283.6 (MANE Select); the canonical splice acceptor site of the intron before coding-DNA position 33, G replaced by A.
Molecular consequence: splice acceptor variant.
Genome position (GRCh38, 1-based): chr19:55,147,022, C>T on the plus strand (G>A on the coding strand, the complement: TNNT1 is on the minus strand). VCF-style: chr19-55147022-C-T. GRCh37 (hg19) VCF-style: chr19-55658390-C-T.
Other names: c.33-1G>A (NM_001126133.3, NM_001126132.3, NM_001291774.2).
Identifiers: ClinVar variation 2858894 (VCV002858894.3), dbSNP rs2515474466, ClinGen allele CA407438612.

ClinVar aggregate classification (germline): Likely pathogenic (1 of 4 stars; one submission).

Conditions:
Nemaline myopathy 5 (NEM5A). Also called: NEMALINE MYOPATHY 5A, AUTOSOMAL RECESSIVE, SEVERE INFANTILE; Nemaline myopathy 5, Amish type; NEMALINE MYOPATHY, AMISH TYPE. Identifiers: Orphanet 98902, MedGen C1854380, MONDO:0011539, OMIM 605355.

Submission:

Labcorp Genetics (formerly Invitae), Labcorp
Classification: Likely pathogenic for Nemaline myopathy 5. Last evaluated: 2023-12-15. Review status: criteria provided, single submitter. Criteria: Invitae Variant Classification Sherloc (09022015). Collection method: clinical testing. Allele origin: germline.
Comment: This sequence change affects an acceptor splice site in intron 2 of the TNNT1 gene. It is expected to disrupt RNA splicing. Variants that disrupt the donor or acceptor splice site typically lead to a loss of protein function (PMID: 16199547), and loss-of-function variants in TNNT1 are known to be pathogenic (PMID: 10952871, 24689076, 25430424). This variant is not present in population databases (gnomAD no frequency). This variant has not been reported in the literature in individuals affected with TNNT1-related conditions. Algorithms developed to predict the effect of sequence changes on RNA splicing suggest that this variant may disrupt the consensus splice site. In summary, the currently available evidence indicates that the variant is pathogenic, but additional data are needed to prove that conclusively. Therefore, this variant has been classified as Likely Pathogenic.

Literature cited by the submitters: PubMed 16199547; PubMed 10952871; PubMed 24689076; PubMed 25430424.